The following is an entry in ClinVar:

NM_000138.5(FBN1):c.8029G>A (p.Gly2677Ser)

Gene: FBN1 (fibrillin 1; minus strand). Cytogenetic location: 15q21.1.
Variant type: single nucleotide variant.
Coding change: c.8029G>A on transcript NM_000138.5 (MANE Select); coding-DNA position 8029, G replaced by A.
Protein change: p.Gly2677Ser; replaces glycine 2677 with serine.
Molecular consequence: missense variant.
Genome position (GRCh38, 1-based): chr15:48,415,558, C>T on the plus strand (G>A on the coding strand, the complement: FBN1 is on the minus strand). VCF-style: chr15-48415558-C-T. GRCh37 (hg19) VCF-style: chr15-48707755-C-T.
Other names: short protein forms G2677S.
Identifiers: ClinVar variation 873484 (VCV000873484.16), dbSNP rs1566889839, ClinGen allele CA392322560.

ClinVar aggregate classification (germline): Uncertain significance. Review status: criteria provided, multiple submitters, no conflicts (2 of 4 stars). 3 submissions from 3 submitters: Uncertain significance (3). Last evaluated 2024-03-18.

Conditions:
Familial thoracic aortic aneurysm and aortic dissection (TAAD). Also called: Thoracic aortic aneurysms and dissections. Identifiers: Orphanet 91387, MedGen C4707243, MONDO:0019625.
Marfan syndrome (MFS). Also called: FBN1-Related Marfan Syndrome; Marfan's syndrome; MARFAN SYNDROME, TYPE I; Marfan syndrome type 1; Marfan syndrome, classic. Identifiers: Orphanet 284963, Orphanet 558, MedGen C0024796, MONDO:0007947, OMIM 154700.

Allele frequency attached by ClinVar (database versions not stated): TOPMed below 0.00001; gnomAD 0.00001.
gnomAD v4.1: 12 of 1,613,964 alleles (0.00074%); highest among the groups gnomAD compares: South Asian, 0.0011%; no homozygotes.

Submissions (3):

Labcorp Genetics (formerly Invitae), Labcorp
Classification: Uncertain significance for Marfan syndrome; Familial thoracic aortic aneurysm and aortic dissection. Last evaluated: 2024-03-18. Review status: criteria provided, single submitter. Criteria: Invitae Variant Classification Sherloc (09022015). Collection method: clinical testing. Allele origin: germline.
Comment: This sequence change replaces glycine, which is neutral and non-polar, with serine, which is neutral and polar, at codon 2677 of the FBN1 protein (p.Gly2677Ser). This variant is not present in population databases (gnomAD no frequency). This variant has not been reported in the literature in individuals affected with FBN1-related conditions. ClinVar contains an entry for this variant (Variation ID: 873484). Advanced modeling of protein sequence and biophysical properties (such as structural, functional, and spatial information, amino acid conservation, physicochemical variation, residue mobility, and thermodynamic stability) performed at Invitae indicates that this missense variant is expected to disrupt FBN1 protein function with a positive predictive value of 95%. In summary, the available evidence is currently insufficient to determine the role of this variant in disease. Therefore, it has been classified as a Variant of Uncertain Significance.

Color Diagnostics, LLC DBA Color Health
Classification: Uncertain significance for Familial thoracic aortic aneurysm and aortic dissection. Last evaluated: 2023-12-05. Review status: criteria provided, single submitter. Criteria: ACMG Guidelines, 2015. Collection method: clinical testing. Allele origin: germline.
Comment: This missense variant replaces glycine with serine at codon 2677 of the FBN1 protein. Computational prediction tools and conservation analyses suggest that this variant may have deleterious impact on the protein function. Computational splicing tools suggest that this variant may not impact RNA splicing. To our knowledge, functional assays have not been performed for this variant nor has this variant been reported in individuals affected with cardiovascular disorders in the literature. This variant has been identified in 1/31406 chromosomes in the general population by the Genome Aggregation Database (gnomAD). Available evidence is insufficient to determine the role of this variant in disease conclusively. Therefore, this variant is classified as a Variant of Uncertain Significance.

Illumina Laboratory Services, Illumina
Classification: Uncertain significance for Marfan syndrome. Last evaluated: 2020-02-12. Review status: criteria provided, single submitter. Criteria: ICSLVariantClassificationCriteria RUGD 01 April 2020. Collection method: clinical testing. Allele origin: unknown.
Comment: The FBN1 c.8029G>A (p.Gly2677Ser) variant is a missense variant. A literature search was performed for the gene, cDNA change, and amino acid change. No publications were found based on this search. This variant is reported at a frequency of 0.000065 in the European (non-Finnish) population of the Genome Aggregation Database though this is based on only one allele in a region of good sequence coverage, so the variant is presumed to be rare. Multiple lines of in silico evidence support a deleterious effect for this variant. Based on the limited evidence, the p.Gly2677Ser variant is classified as a variant of unknown significance for Marfan syndrome.